The following is an entry in ClinVar:

ClinVar aggregate classification (germline): Uncertain significance (1 of 4 stars; one submission).

Conditions:
Autoimmune interstitial lung disease-arthritis syndrome. Also called: Autoinflammation and autoimmunity, systemic, with immune dysregulation. Identifiers: Orphanet 444092, MedGen C5975714, MONDO:0014629.

gnomAD v4.1: 1 of 1,614,148 alleles (0.000062%); no homozygotes.

Submission:

Labcorp Genetics (formerly Invitae), Labcorp
Classification: Uncertain significance for Autoimmune interstitial lung disease-arthritis syndrome. Last evaluated: 2025-03-17. Review status: criteria provided, single submitter. Criteria: Invitae Variant Classification Sherloc (09022015). Collection method: clinical testing. Allele origin: germline.
Comment: This sequence change replaces asparagine, which is neutral and polar, with serine, which is neutral and polar, at codon 922 of the COPA protein (p.Asn922Ser). This variant is not present in population databases (gnomAD no frequency). This variant has not been reported in the literature in individuals affected with COPA-related conditions. ClinVar contains an entry for this variant (Variation ID: 935706). Invitae Evidence Modeling of protein sequence and biophysical properties (such as structural, functional, and spatial information, amino acid conservation, physicochemical variation, residue mobility, and thermodynamic stability) indicates that this missense variant is not expected to disrupt COPA protein function with a negative predictive value of 80%. In summary, the available evidence is currently insufficient to determine the role of this variant in disease. Therefore, it has been classified as a Variant of Uncertain Significance.

NM_004371.4(COPA):c.2765A>G (p.Asn922Ser)

Gene: COPA (coat protein complex I subunit alpha; minus strand). Cytogenetic location: 1q23.2.
Variant type: single nucleotide variant.
Coding change: c.2765A>G on transcript NM_004371.4 (MANE Select); coding-DNA position 2765, A replaced by G.
Protein change: p.Asn922Ser; replaces asparagine 922 with serine.
Molecular consequence: missense variant.
Genome position (GRCh38, 1-based): chr1:160,293,224, T>C on the plus strand (A>G on the coding strand, the complement: COPA is on the minus strand). VCF-style: chr1-160293224-T-C. GRCh37 (hg19) VCF-style: chr1-160263014-T-C.
Other names: c.2792A>G, p.Asn931Ser (NM_001098398.2); short protein forms N931S, N922S.
Identifiers: ClinVar variation 935706 (VCV000935706.9), dbSNP rs1658297298, ClinGen allele CA343274869.
Genomic context (GRCh38, chr1:160,293,224, plus strand): 5'-ACCCGCATGGCTGTTTCGAAAGAGCCTGCCAGGATGTGATCAACTGGAAGCTGAGAGTTA[T>C]TACACCAGATCTAACAAGAAACAAAAAAACCCAAGCCAAGTGAAACTTTGTCCCTTCTCT-3'
Protein context (NP_004362.2, residues 912-932): KGTSPTQIWC[Asn922Ser]NSQLPVDHIL